The following is an entry in ClinVar:

ClinVar aggregate classification (germline): Uncertain significance (1 of 4 stars; one submission).

gnomAD v4.1: 2 of 1,613,580 alleles (0.00012%); highest among the groups gnomAD compares: Admixed American, 0.0033%; no homozygotes.

Submission:

Ambry Genetics
Classification: Uncertain significance. Last evaluated: 2025-03-22. Review status: criteria provided, single submitter. Criteria: Ambry Variant Classification Scheme 2023. Collection method: clinical testing. Allele origin: germline.
Comment: The p.G447E variant (also known as c.1340G>A), located in coding exon 8 of the ATRIP gene, results from a G to A substitution at nucleotide position 1340. The glycine at codon 447 is replaced by glutamic acid, an amino acid with similar properties. This amino acid position is conserved. In addition, this alteration is predicted to be tolerated by in silico analysis. Based on the available evidence, the clinical significance of this variant remains unclear.

NM_130384.3(ATRIP):c.1340G>A (p.Gly447Glu)

Genes: ATRIP (ATR interacting protein; plus strand), ATRIP-TREX1 (ATRIP-TREX1 readthrough; plus strand). Cytogenetic location: 3p21.31.
Variant type: single nucleotide variant.
Coding change: c.1340G>A on transcript NM_130384.3 (MANE Select); coding-DNA position 1340, G replaced by A.
Protein change: p.Gly447Glu; replaces glycine 447 with glutamic acid.
Molecular consequence: missense variant. On other transcripts: non-coding transcript variant (1).
Genome position (GRCh38, 1-based): chr3:48,460,394, G>A. VCF-style: chr3-48460394-G-A. GRCh37 (hg19) VCF-style: chr3-48501793-G-A.
Other names: c.959G>A, p.Gly320Glu (NM_001271022.2); c.1061G>A, p.Gly354Glu (NM_001271023.2); c.1340G>A, p.Gly447Glu (NM_032166.4); short protein forms G320E, G447E, G354E.
Identifiers: ClinVar variation 3975744 (VCV003975744.1).